The following is an entry in ClinVar:

ClinVar aggregate classification (germline): Pathogenic (1 of 4 stars; one submission).

Submission:

GeneDx
Classification: Pathogenic. Last evaluated: 2018-12-24. Review status: criteria provided, single submitter. Criteria: GeneDx Variant Classification (06012015). Collection method: clinical testing. Allele origin: germline. Affected: yes.
Comment: The E412X nonsense variant in the CHD2 gene is predicted to cause loss of normal protein function either through protein truncation or nonsense-mediated mRNA decay. The E412X variant is not observed in large population cohorts (Lek et al., 2016).

NM_001271.4(CHD2):c.1234G>T (p.Glu412Ter)

Gene: CHD2 (chromodomain helicase DNA binding protein 2; plus strand). Cytogenetic location: 15q26.1.
Variant type: single nucleotide variant.
Coding change: c.1234G>T on transcript NM_001271.4 (MANE Select); coding-DNA position 1234, G replaced by T.
Protein change: p.Glu412Ter; replaces glutamic acid 412 with a stop codon.
Molecular consequence: nonsense.
Genome position (GRCh38, 1-based): chr15:92,946,073, G>T. VCF-style: chr15-92946073-G-T. GRCh37 (hg19) VCF-style: chr15-93489303-G-T.
Other names: c.1234G>T, p.Glu412Ter (NM_001042572.3); short protein forms E412*.
Identifiers: ClinVar variation 620524 (VCV000620524.1), dbSNP rs541056569, ClinGen allele CA393903663.